The following is an entry in ClinVar:

ClinVar aggregate classification (germline): Uncertain significance. Review status: criteria provided, multiple submitters, no conflicts (2 of 4 stars). 2 submissions from 2 submitters: Uncertain significance (2). Last evaluated 2023-05-08.

Conditions:
Emery-Dreifuss muscular dystrophy 4, autosomal dominant (EDMD4). Also called: EMERY-DREIFUSS MUSCULAR DYSTROPHY 4 WITH VARIABLE FEATURES. Identifiers: Orphanet 261, MedGen C2751807, MONDO:0013071, OMIM 612998.
Autosomal recessive ataxia, Beauce type. Also called: SYNE1 Deficiency; Spinocerebellar ataxia, autosomal recessive 8; ATAXIA, RECESSIVE, OF BEAUCE; SYNE1-Related Autosomal Recessive Cerebellar Ataxia. Identifiers: Orphanet 88644, MedGen C1853116, MONDO:0012549, OMIM 610743.

Allele frequency attached by ClinVar (database versions not stated): gnomAD 0.00003.
gnomAD v4.1: 15 of 1,614,024 alleles (0.00093%); highest among the groups gnomAD compares: Non-Finnish European, 0.0013%; no homozygotes.

Submissions (2):

Labcorp Genetics (formerly Invitae), Labcorp
Classification: Uncertain significance for Emery-Dreifuss muscular dystrophy 4, autosomal dominant; Autosomal recessive ataxia, Beauce type. Last evaluated: 2023-05-08. Review status: criteria provided, single submitter. Criteria: Invitae Variant Classification Sherloc (09022015). Collection method: clinical testing. Allele origin: germline.
Comment: In summary, the available evidence is currently insufficient to determine the role of this variant in disease. Therefore, it has been classified as a Variant of Uncertain Significance. An algorithm developed to predict the effect of missense changes on protein structure and function (PolyPhen-2) suggests that this variant is likely to be disruptive. ClinVar contains an entry for this variant (Variation ID: 2041156). This variant has not been reported in the literature in individuals affected with SYNE1-related conditions. This variant is present in population databases (no rsID available, gnomAD 0.003%). This sequence change replaces alanine, which is neutral and non-polar, with threonine, which is neutral and polar, at codon 4390 of the SYNE1 protein (p.Ala4390Thr).

Revvity Omics, Revvity
Classification: Uncertain significance. Last evaluated: 2022-01-03. Review status: criteria provided, single submitter. Criteria: ACMG Guidelines, 2015. Collection method: clinical testing. Allele origin: germline.

NM_182961.4(SYNE1):c.13381G>A (p.Ala4461Thr)

Gene: SYNE1 (spectrin repeat containing nuclear envelope protein 1; minus strand). Cytogenetic location: 6q25.2.
Variant type: single nucleotide variant.
Coding change: c.13381G>A on transcript NM_182961.4 (MANE Select); coding-DNA position 13381, G replaced by A.
Protein change: p.Ala4461Thr; replaces alanine 4461 with threonine.
Molecular consequence: missense variant.
Genome position (GRCh38, 1-based): chr6:152,331,304, C>T on the plus strand (G>A on the coding strand, the complement: SYNE1 is on the minus strand). VCF-style: chr6-152331304-C-T. GRCh37 (hg19) VCF-style: chr6-152652439-C-T.
Other names: c.13168G>A, p.Ala4390Thr (NM_033071.5); short protein forms A4390T, A4461T.
Identifiers: ClinVar variation 2041156 (VCV002041156.7), dbSNP rs1171437866, ClinGen allele CA366101816.